The following is an entry in ClinVar:

NM_015898.4(ZBTB7A):c.283G>T (p.Ala95Ser)

Gene: ZBTB7A (zinc finger and BTB domain containing 7A; minus strand). Cytogenetic location: 19p13.3.
Variant type: single nucleotide variant.
Coding change: c.283G>T on transcript NM_015898.4 (MANE Select); coding-DNA position 283, G replaced by T.
Protein change: p.Ala95Ser; replaces alanine 95 with serine.
Molecular consequence: missense variant.
Genome position (GRCh38, 1-based): chr19:4,054,950, C>A on the plus strand (G>T on the coding strand, the complement: ZBTB7A is on the minus strand). VCF-style: chr19-4054950-C-A. GRCh37 (hg19) VCF-style: chr19-4054948-C-A.
Other names: c.283G>T, p.Ala95Ser (NM_001317990.2); short protein forms A95S.
Identifiers: ClinVar variation 5002699 (VCV005002699.2).

ClinVar aggregate classification (germline): Uncertain significance. Review status: criteria provided, multiple submitters, no conflicts (2 of 4 stars). 2 submissions from 2 submitters: Uncertain significance (2). Last evaluated 2026-08-06.

Conditions:
Macrocephaly, neurodevelopmental delay, lymphoid hyperplasia, and persistent fetal hemoglobin (MNDLFH). Identifiers: Orphanet 694956, MedGen C5676928, MONDO:0859231, OMIM 619769.

gnomAD v4.1: 4 of 1,611,620 alleles (0.00025%); highest among the groups gnomAD compares: Non-Finnish European, 0.00017%; no homozygotes.

Submissions (2):

OLLIN Analises Genomicas, OLLIN
Classification: Uncertain significance for Macrocephaly, neurodevelopmental delay, lymphoid hyperplasia, and persistent fetal hemoglobin. Last evaluated: 2026-08-06. Review status: criteria provided, single submitter. Criteria: ACMG Guidelines 2015 PMID 25741868. Collection method: clinical testing. Allele origin: germline.
Comment: This missense variant, located in exon 2 (of 3), has been observed in gnomAD with an allele frequency of 0.00025%, but has not been reported in ClinVar or identified in the literature. In silico analysis is inconclusive regarding the impact of this variant. According to the currently available evidence, this variant has been classified as uncertain significance (PM2_P).

CeGaT Center for Human Genetics Tuebingen
Classification: Uncertain significance. Last evaluated: 2026-08-01. Review status: criteria provided, single submitter. Criteria: CeGaT Center For Human Genetics Tuebingen Variant Classification Criteria Version 2. Collection method: clinical testing. Allele origin: germline. Affected: yes. Observed: 1 variant allele.
Comment: ZBTB7A: PM2, PP2